The following is an entry in ClinVar:

ClinVar aggregate classification (germline): Likely benign (1 of 4 stars; one submission).

gnomAD v4.1: 59 of 1,613,880 alleles (0.0037%); highest among the groups gnomAD compares: Non-Finnish European, 0.0043%; no homozygotes.

Submission:

CeGaT Center for Human Genetics Tuebingen
Classification: Likely benign. Last evaluated: 2026-04-01. Review status: criteria provided, single submitter. Criteria: CeGaT Center For Human Genetics Tuebingen Variant Classification Criteria Version 2. Collection method: clinical testing. Allele origin: germline. Affected: yes. Observed: 1 variant allele.
Comment: MED12L: BP4, BP7

NM_001393769.1(MED12L):c.3159A>G (p.Val1053=)

Genes: MED12L (mediator complex subunit 12L; plus strand), P2RY12 (purinergic receptor P2Y12; minus strand). Cytogenetic location: 3q25.1.
Variant type: single nucleotide variant.
Coding change: c.3159A>G on transcript NM_001393769.1 (MANE Select); coding-DNA position 3159, A replaced by G.
Protein change: p.Val1053=; no amino-acid change (valine 1053 retained).
Molecular consequence: synonymous variant. On other transcripts: intron variant (1).
Genome position (GRCh38, 1-based): chr3:151,365,180, A>G. VCF-style: chr3-151365180-A-G. GRCh37 (hg19) VCF-style: chr3-151082968-A-G.
Other names: c.3054A>G, p.Val1018= (NM_053002.6); c.-180+19512T>C (NM_022788.5).
Identifiers: ClinVar variation 4872668 (VCV004872668.2).